The following is an entry in ClinVar:

NM_003325.4(HIRA):c.-21GGC[4]

Gene: HIRA (histone cell cycle regulator; minus strand). Cytogenetic location: 22q11.21.
Variant type: Microsatellite.
Coding change: c.-21GGC[4] on transcript NM_003325.4 (MANE Select); four copies in a row of the 3-base unit GGC starting at c.-21; the reference has five copies in a row; one copy, 3 bases deleted.
Molecular consequence: 5 prime UTR variant.
Genome position (GRCh38, 1-based): chr22:19,431,483-19,431,485, GCC deleted on the plus strand (GGC on the coding strand, the reverse complement: HIRA is on the minus strand); deleting any 3 consecutive bases within chr22:19,431,483-19,431,498 gives the same sequence; the position shown is the placement nearest the transcript's 3' end. VCF-style (leftmost placement, unchanged base first): chr22-19431482-GGCC-G. GRCh37 (hg19) VCF-style: chr22-19419005-GGCC-G.
Identifiers: ClinVar variation 3056979 (VCV003056979.2), dbSNP rs535003721, ClinGen allele CA10100064.
Genomic context (GRCh38, chr22:19,431,482, plus strand): 5'-ACCCCTGCGCGCACTCACCATTGTGGTTGACCCAGGTCGGCTTCAGGAGCTTCATTGTTC[GGCC>G]GCCGCCGCCGCCGGGCTGAGGCGAGCGCCGGGTCCCTCAGCGCGCCCGGGCCATGGAGCC-3'

ClinVar aggregate classification (germline): Likely benign (0 of 4 stars; one submission).

Conditions:
HIRA-related disorder.

Submission:

PreventionGenetics, part of Exact Sciences
Classification: Likely benign for HIRA-related condition. Last evaluated: 2019-09-23. Review status: no assertion criteria provided. Collection method: clinical testing. Allele origin: germline.
Comment: This variant is classified as likely benign based on ACMG/AMP sequence variant interpretation guidelines (Richards et al. 2015 PMID: 25741868, with internal and published modifications).